The following is an entry in ClinVar:

ClinVar aggregate classification (germline): Uncertain significance (1 of 4 stars; one submission).

Conditions:
Brugada syndrome. Also called: Sudden unexplained nocturnal death syndrome; Sudden unexpected nocturnal death syndrome; Sudden Unexplained Death Syndrome; Sudden Unexplained Nocturnal Death Syndrome (SUNDS). Identifiers: Orphanet 130, MedGen C1142166, MONDO:0015263.

Submission:

Labcorp Genetics (formerly Invitae), Labcorp
Classification: Uncertain significance for Brugada syndrome. Last evaluated: 2020-08-31. Review status: criteria provided, single submitter. Criteria: Invitae Variant Classification Sherloc (09022015). Collection method: clinical testing. Allele origin: germline.
Comment: In summary, the available evidence is currently insufficient to determine the role of this variant in disease. Therefore, it has been classified as a Variant of Uncertain Significance. Advanced modeling of protein sequence and biophysical properties (such as structural, functional, and spatial information, amino acid conservation, physicochemical variation, residue mobility, and thermodynamic stability) performed at Invitae indicates that this missense variant is expected to disrupt SCN10A protein function. This variant has not been reported in the literature in individuals with SCN10A-related conditions. This variant is not present in population databases (ExAC no frequency). This sequence change replaces leucine with methionine at codon 1586 of the SCN10A protein (p.Leu1586Met). The leucine residue is moderately conserved and there is a small physicochemical difference between leucine and methionine.

NM_006514.4(SCN10A):c.4756C>A (p.Leu1586Met)

Gene: SCN10A (sodium voltage-gated channel alpha subunit 10; minus strand). Cytogenetic location: 3p22.2.
Variant type: single nucleotide variant.
Coding change: c.4756C>A on transcript NM_006514.4 (MANE Select); coding-DNA position 4756, C replaced by A.
Protein change: p.Leu1586Met; replaces leucine 1586 with methionine.
Molecular consequence: missense variant.
Genome position (GRCh38, 1-based): chr3:38,698,464, G>T on the plus strand (C>A on the coding strand, the complement: SCN10A is on the minus strand). VCF-style: chr3-38698464-G-T. GRCh37 (hg19) VCF-style: chr3-38739955-G-T.
Other names: c.4753C>A, p.Leu1585Met (NM_001293306.2); c.4462C>A, p.Leu1488Met (NM_001293307.2); short protein forms L1488M, L1585M, L1586M.
Identifiers: ClinVar variation 1059442 (VCV001059442.5), dbSNP rs2125980484, ClinGen allele CA352155766.
Genomic context (GRCh38, chr3:38,698,464, plus strand): 5'-CAGGCAGGGACATCATGAGGGCAAAGAGCAGTGTGCGGATCCCCTTGGCCGCTCGGATCA[G>T]TCTGAGGATGCGGCCAATTCGGGCCAGGCGGATGACTCTGAAGAGCGTTGGGGAGAAGTA-3'
Protein context (NP_006505.4, residues 1576-1596): RLARIGRILR[Leu1586Met]IRAAKGIRTL